The following is an entry in ClinVar:

NM_001135651.3(EIF2AK2):c.1411C>A (p.Leu471Ile)

Gene: EIF2AK2 (eukaryotic translation initiation factor 2 alpha kinase 2; minus strand). Cytogenetic location: 2p22.2.
Variant type: single nucleotide variant.
Coding change: c.1411C>A on transcript NM_001135651.3 (MANE Select); coding-DNA position 1411, C replaced by A.
Protein change: p.Leu471Ile; replaces leucine 471 with isoleucine.
Molecular consequence: missense variant.
Genome position (GRCh38, 1-based): chr2:37,109,262, G>T on the plus strand (C>A on the coding strand, the complement: EIF2AK2 is on the minus strand). VCF-style: chr2-37109262-G-T. GRCh37 (hg19) VCF-style: chr2-37336405-G-T.
Other names: c.1288C>A, p.Leu430Ile (NM_001135652.3); c.1411C>A, p.Leu471Ile (NM_002759.4); short protein forms L471I, L430I.
Identifiers: ClinVar variation 2024687 (VCV002024687.4), dbSNP rs967135397, ClinGen allele CA45431017.

ClinVar aggregate classification (germline): Uncertain significance (1 of 4 stars; one submission).

Submission:

Labcorp Genetics (formerly Invitae), Labcorp
Classification: Uncertain significance. Last evaluated: 2022-08-19. Review status: criteria provided, single submitter. Criteria: Invitae Variant Classification Sherloc (09022015). Collection method: clinical testing. Allele origin: germline.
Comment: In summary, the available evidence is currently insufficient to determine the role of this variant in disease. Therefore, it has been classified as a Variant of Uncertain Significance. This sequence change replaces leucine, which is neutral and non-polar, with isoleucine, which is neutral and non-polar, at codon 471 of the EIF2AK2 protein (p.Leu471Ile). This variant is not present in population databases (gnomAD no frequency). This variant has not been reported in the literature in individuals affected with EIF2AK2-related conditions. Algorithms developed to predict the effect of missense changes on protein structure and function output the following: SIFT: "Tolerated"; PolyPhen-2: "Benign"; Align-GVGD: "Class C0". The isoleucine amino acid residue is found in multiple mammalian species, which suggests that this missense change does not adversely affect protein function.